The following is an entry in ClinVar:

ClinVar aggregate classification (germline): Uncertain significance (1 of 4 stars; one submission).

gnomAD v4.1: 1 of 1,613,296 alleles (0.000062%); no homozygotes.

Submission:

Ambry Genetics
Classification: Uncertain significance. Last evaluated: 2022-08-24. Review status: criteria provided, single submitter. Criteria: Ambry Variant Classification Scheme 2023. Collection method: clinical testing. Allele origin: germline.
Comment: The p.H637D variant (also known as c.1909C>G), located in coding exon 17 of the RAD54L gene, results from a C to G substitution at nucleotide position 1909. The histidine at codon 637 is replaced by aspartic acid, an amino acid with similar properties. This amino acid position is conserved. In addition, the in silico prediction for this alteration is inconclusive. Since supporting evidence is limited at this time, the clinical significance of this alteration remains unclear.

NM_003579.4(RAD54L):c.1909C>G (p.His637Asp)

Genes: RAD54L (RAD54 like; plus strand), LRRC41 (leucine rich repeat containing 41; minus strand). Cytogenetic location: 1p34.1.
Variant type: single nucleotide variant.
Coding change: c.1909C>G on transcript NM_003579.4 (MANE Select); coding-DNA position 1909, C replaced by G.
Protein change: p.His637Asp; replaces histidine 637 with aspartic acid.
Molecular consequence: missense variant. On other transcripts: 3 prime UTR variant (1).
Genome position (GRCh38, 1-based): chr1:46,277,856, C>G. VCF-style: chr1-46277856-C-G. GRCh37 (hg19) VCF-style: chr1-46743528-C-G.
Other names: c.*1009G>C (NM_006369.5); c.1909C>G, p.His637Asp (NM_001142548.2); c.1369C>G, p.His457Asp (NM_001370766.1); short protein forms H637D, H457D.
Identifiers: ClinVar variation 1782460 (VCV001782460.2), dbSNP rs765850609, ClinGen allele CA340189247.